The following is an entry in ClinVar:

NM_032380.5(GFM2):c.1092G>T (p.Lys364Asn)

Gene: GFM2 (GTP dependent ribosome recycling factor mitochondrial 2; minus strand). Cytogenetic location: 5q13.3.
Variant type: single nucleotide variant.
Coding change: c.1092G>T on transcript NM_032380.5 (MANE Select); coding-DNA position 1092, G replaced by T.
Protein change: p.Lys364Asn; replaces lysine 364 with asparagine.
Molecular consequence: missense variant. On other transcripts: non-coding transcript variant (1), intron variant (1).
Genome position (GRCh38, 1-based): chr5:74,738,630, C>A on the plus strand (G>T on the coding strand, the complement: GFM2 is on the minus strand). VCF-style: chr5-74738630-C-A. GRCh37 (hg19) VCF-style: chr5-74034455-C-A.
Other names: c.1188G>T, p.Lys396Asn (NM_001281302.2); c.1092G>T, p.Lys364Asn (NM_170681.3); c.1080-213G>T (NM_170691.3); short protein forms K364N, K396N.
Identifiers: ClinVar variation 1716947 (VCV001716947.5), dbSNP rs1334663868, ClinGen allele CA360080418.

ClinVar aggregate classification (germline): Uncertain significance (1 of 4 stars; one submission).

Submission:

Labcorp Genetics (formerly Invitae), Labcorp
Classification: Uncertain significance. Last evaluated: 2024-02-23. Review status: criteria provided, single submitter. Criteria: Invitae Variant Classification Sherloc (09022015). Collection method: clinical testing. Allele origin: germline.
Comment: This sequence change replaces lysine, which is basic and polar, with asparagine, which is neutral and polar, at codon 364 of the GFM2 protein (p.Lys364Asn). This variant is not present in population databases (gnomAD no frequency). This variant has not been reported in the literature in individuals affected with GFM2-related conditions. ClinVar contains an entry for this variant (Variation ID: 1716947). Advanced modeling of protein sequence and biophysical properties (such as structural, functional, and spatial information, amino acid conservation, physicochemical variation, residue mobility, and thermodynamic stability) performed at Invitae indicates that this missense variant is not expected to disrupt GFM2 protein function with a negative predictive value of 80%. In summary, the available evidence is currently insufficient to determine the role of this variant in disease. Therefore, it has been classified as a Variant of Uncertain Significance.